The following is an entry in ClinVar:

NM_153717.3(EVC):c.2098-10T>C

Gene: EVC (EvC ciliary complex subunit 1; plus strand). Cytogenetic location: 4p16.2.
Variant type: single nucleotide variant.
Coding change: c.2098-10T>C on transcript NM_153717.3 (MANE Select); 10 bases into the intron before coding-DNA position 2098, T replaced by C.
Molecular consequence: intron variant.
Genome position (GRCh38, 1-based): chr4:5,798,576, T>C. VCF-style: chr4-5798576-T-C. GRCh37 (hg19) VCF-style: chr4-5800303-T-C.
Other names: c.2098-10T>C (NM_001306090.2).
Identifiers: ClinVar variation 767386 (VCV000767386.13), dbSNP rs774109576, ClinGen allele CA2836385.

ClinVar aggregate classification (germline): Likely benign. Review status: criteria provided, single submitter (1 of 4 stars). 3 submissions from 3 submitters: Likely benign (1). 2 of the submissions do not count toward it. Last evaluated 2025-06-22.

Conditions:
Ellis-van Creveld syndrome (EVC). Also called: Chondroectodermal dysplasia; MESOECTODERMAL DYSPLASIA. Identifiers: Orphanet 289, MedGen C0013903, MONDO:0009162, OMIM 225500.
EVC-related disorder. Also called: EVC-related disorders; EVC-related condition.
Curry-Hall syndrome (WAD). Also called: WEYERS ACRODENTAL DYSOSTOSIS. Identifiers: Orphanet 952, MedGen C0457013, MONDO:0008673, OMIM 193530.

Allele frequency attached by ClinVar (database versions not stated): gnomAD exomes 0.00001 and 0.00007; ExAC 0.00006; gnomAD 0.00013 and 0.00014; TOPMed 0.00014.
gnomAD v4.1: 88 of 1,554,886 alleles (0.0057%); highest among the groups gnomAD compares: East Asian, 0.036%; 1 homozygote.

Submissions (3):

Labcorp Genetics (formerly Invitae), Labcorp
Classification: Likely benign for Curry-Hall syndrome; Ellis-van Creveld syndrome. Last evaluated: 2025-06-22. Review status: criteria provided, single submitter. Criteria: Invitae Variant Classification Sherloc (09022015). Collection method: clinical testing. Allele origin: germline.

PreventionGenetics, part of Exact Sciences
Classification: Likely benign for EVC-related condition. Last evaluated: 2022-06-13. Review status: no assertion criteria provided. Collection method: clinical testing. Allele origin: germline. Not counted in ClinVar's aggregate classification.
Comment: This variant is classified as likely benign based on ACMG/AMP sequence variant interpretation guidelines (Richards et al. 2015 PMID: 25741868, with internal and published modifications).

Natera, Inc.
Classification: Uncertain significance for Ellis-van Creveld syndrome. Last evaluated: 2020-04-21. Review status: no assertion criteria provided. Collection method: clinical testing. Allele origin: germline. Not counted in ClinVar's aggregate classification.